The following is an entry in ClinVar:

ClinVar aggregate classification (germline): Uncertain significance (1 of 4 stars; one submission).

Conditions:
Tuberous sclerosis 1 (TSC1). Identifiers: Orphanet 805, MedGen C1854465, MONDO:0008612, OMIM 191100.

Submission:

Labcorp Genetics (formerly Invitae), Labcorp
Classification: Uncertain significance for Tuberous sclerosis 1. Last evaluated: 2025-07-02. Review status: criteria provided, single submitter. Criteria: Invitae Variant Classification Sherloc (09022015). Collection method: clinical testing. Allele origin: germline.
Comment: This sequence change falls in intron 6 of the TSC1 gene. It does not directly change the encoded amino acid sequence of the TSC1 protein. This variant is not present in population databases (gnomAD no frequency). This variant has not been reported in the literature in individuals affected with TSC1-related conditions. Algorithms developed to predict the effect of sequence changes on RNA splicing suggest that this variant may create or strengthen a splice site. In summary, the available evidence is currently insufficient to determine the role of this variant in disease. Therefore, it has been classified as a Variant of Uncertain Significance.

NM_000368.5(TSC1):c.509-6T>G

Gene: TSC1 (TSC complex subunit 1; minus strand). Cytogenetic location: 9q34.13.
Variant type: single nucleotide variant.
Coding change: c.509-6T>G on transcript NM_000368.5 (MANE Select); 6 bases into the intron before coding-DNA position 509, T replaced by G.
Molecular consequence: intron variant.
Genome position (GRCh38, 1-based): chr9:132,921,979, A>C on the plus strand (T>G on the coding strand, the complement: TSC1 is on the minus strand). VCF-style: chr9-132921979-A-C. GRCh37 (hg19) VCF-style: chr9-135797366-A-C.
Other names: c.146-6T>G (NM_001406620.1, NM_001406618.1, NM_001406625.1 and 10 more transcripts); c.356-6T>G (NM_001406613.1, NM_001406612.1, NM_001406610.1 and 2 more transcripts); c.-369-6T>G (NM_001406627.1, NM_001406628.1, NM_001406626.1); c.-511-6T>G (NM_001406629.1); c.509-6T>G (NM_001406603.1, NM_001406609.1, NM_001406597.1 and 16 more transcripts); c.-585-6T>G (NM_001406630.1).
Identifiers: ClinVar variation 4722473 (VCV004722473.1).
Genomic context (GRCh38, chr9:132,921,979, plus strand): 5'-AAGAGTGCGTACACACTGGCATGGAGATGGACGAGATAGACTTCCGCCACGTGGCCTAGA[A>C]AAGGAACCCGTTGAGAAGAGCCTCTTAGTTGGAGACAGATTGAGGAGTGCAAAACAGCTA-3'